The following is an entry in ClinVar:

NM_000059.4(BRCA2):c.5332A>G (p.Asn1778Asp)

Gene: BRCA2 (BRCA2 DNA repair associated; plus strand). Cytogenetic location: 13q13.1.
Variant type: single nucleotide variant.
Coding change: c.5332A>G on transcript NM_000059.4 (MANE Select); coding-DNA position 5332, A replaced by G.
Protein change: p.Asn1778Asp; replaces asparagine 1778 with aspartic acid.
Molecular consequence: missense variant. On other transcripts: non-coding transcript variant (1), intron variant (2).
Genome position (GRCh38, 1-based): chr13:32,339,687, A>G. VCF-style: chr13-32339687-A-G. GRCh37 (hg19) VCF-style: chr13-32913824-A-G.
Other names: c.5332A>G, p.Asn1778Asp (NM_001406719.1, NM_001406720.1, NM_001432077.1); c.1910-4871A>G (NM_001406721.1); c.425-4871A>G (NM_001406722.1); short protein forms N1778D.
Identifiers: ClinVar variation 4824520 (VCV004824520.1).
Genomic context (GRCh38, chr13:32,339,687, plus strand): 5'-AATGATTCAGGATATCTCTCAAAAAATAAACTTGATTCTGGTATTGAGCCAGTATTGAAG[A>G]ATGTTGAAGATCAAAAAAACACTAGTTTTTCCAAAGTAATATCCAATGTAAAAGATGCAA-3'
Protein context (NP_000050.3, residues 1768-1788): LDSGIEPVLK[Asn1778Asp]VEDQKNTSFS

ClinVar aggregate classification (germline): Uncertain significance (1 of 4 stars; one submission).

Conditions:
Hereditary cancer-predisposing syndrome. Also called: Neoplastic Syndromes, Hereditary; Hereditary neoplastic syndrome; Tumor predisposition; Hereditary Cancer Syndrome. Identifiers: Orphanet 140162, MedGen C0027672, MeSH D009386, MONDO:0015356.

Submission:

Ambry Genetics
Classification: Uncertain significance for Hereditary cancer-predisposing syndrome. Last evaluated: 2026-01-24. Review status: criteria provided, single submitter. Criteria: Ambry Variant Classification Scheme 2023. Collection method: clinical testing. Allele origin: germline.
Comment: The p.N1778D variant (also known as c.5332A>G), located in coding exon 10 of the BRCA2 gene, results from an A to G substitution at nucleotide position 5332. The asparagine at codon 1778 is replaced by aspartic acid, an amino acid with highly similar properties. This amino acid position is conserved. In addition, this alteration is predicted to be tolerated by in silico analysis. Based on the available evidence, the clinical significance of this variant remains unclear.